The following is an entry in ClinVar:

ClinVar aggregate classification (germline): Uncertain significance (1 of 4 stars; one submission).

Allele frequency attached by ClinVar (database versions not stated): TOPMed 0.00001; gnomAD 0.00003 and 0.00004; gnomAD exomes 0.00004 and 0.00008; ExAC 0.00008.
gnomAD v4.1: 58 of 1,610,008 alleles (0.0036%); highest among the groups gnomAD compares: Non-Finnish European, 0.0014%; no homozygotes.

Submission:

Labcorp Genetics (formerly Invitae), Labcorp
Classification: Uncertain significance. Last evaluated: 2024-11-18. Review status: criteria provided, single submitter. Criteria: Invitae Variant Classification Sherloc (09022015). Collection method: clinical testing. Allele origin: germline.
Comment: This sequence change replaces asparagine, which is neutral and polar, with serine, which is neutral and polar, at codon 664 of the KIZ protein (p.Asn664Ser). This variant is present in population databases (rs769694398, gnomAD 0.06%). This variant has not been reported in the literature in individuals affected with KIZ-related conditions. ClinVar contains an entry for this variant (Variation ID: 836951). Experimental studies and prediction algorithms are not available or were not evaluated, and the functional significance of this variant is currently unknown. In summary, the available evidence is currently insufficient to determine the role of this variant in disease. Therefore, it has been classified as a Variant of Uncertain Significance.

NM_018474.6(KIZ):c.1991A>G (p.Asn664Ser)

Gene: KIZ (kizuna centrosomal protein; plus strand). Cytogenetic location: 20p11.23.
Variant type: single nucleotide variant.
Coding change: c.1991A>G on transcript NM_018474.6 (MANE Select); coding-DNA position 1991, A replaced by G.
Protein change: p.Asn664Ser; replaces asparagine 664 with serine.
Molecular consequence: missense variant.
Genome position (GRCh38, 1-based): chr20:21,246,545, A>G. VCF-style: chr20-21246545-A-G. GRCh37 (hg19) VCF-style: chr20-21227183-A-G.
Other names: c.1682A>G, p.Asn561Ser (NM_001163022.3); c.1592A>G, p.Asn531Ser (NM_001163023.3); c.1844A>G, p.Asn615Ser (NM_001276389.2); c.1937A>G, p.Asn646Ser (NM_001352434.2); c.1628A>G, p.Asn543Ser (NM_001352435.2); c.1649A>G, p.Asn550Ser (NM_001352436.2); short protein forms N664S, N543S, N550S, N561S, N615S, N646S, N531S.
Identifiers: ClinVar variation 836951 (VCV000836951.8), dbSNP rs769694398, ClinGen allele CA9785050.